The following is an entry in ClinVar:

NM_000051.4(ATM):c.1434A>G (p.Ser478=)

Gene: ATM (ATM serine/threonine kinase; plus strand). Cytogenetic location: 11q22.3.
Variant type: single nucleotide variant.
Coding change: c.1434A>G on transcript NM_000051.4 (MANE Select); coding-DNA position 1434, A replaced by G.
Protein change: p.Ser478=; no amino-acid change (serine 478 retained).
Molecular consequence: synonymous variant.
Genome position (GRCh38, 1-based): chr11:108,250,899, A>G. VCF-style: chr11-108250899-A-G. GRCh37 (hg19) VCF-style: chr11-108121626-A-G.
Other names: c.1434A>G, p.Ser478= (NM_001351834.2).
Identifiers: ClinVar variation 1145512 (VCV001145512.13), dbSNP rs2135322636, ClinGen allele CA476744831.

ClinVar aggregate classification (germline): Conflicting classifications of pathogenicity. Review status: criteria provided, conflicting classifications (1 of 4 stars). 4 submissions from 4 submitters: Uncertain significance (1); Benign (1); Likely benign (2). Last evaluated 2025-11-19.

Conditions:
Familial cancer of breast. Also called: Hereditary breast cancer; BREAST CANCER, FAMILIAL; hereditary breast carcinoma. Identifiers: Orphanet 227535, MedGen C0346153, MONDO:0016419, OMIM 114480. Disease mechanism: loss of function.
Ataxia-telangiectasia syndrome (AT). Also called: LOUIS-BAR SYNDROME; Ataxia telangiectasia (A-T); Cerebello-oculocutaneous telangiectasia; Immunodeficiency with ataxia telangiectasia; Ataxia-telangiectasia; Ataxia-telangiectasia, complementation group D. Identifiers: Orphanet 100, MedGen C0004135, MONDO:0008840, OMIM 208900.
Hereditary cancer-predisposing syndrome. Also called: Hereditary neoplastic syndrome; Tumor predisposition; Neoplastic Syndromes, Hereditary; Hereditary Cancer Syndrome. Identifiers: Orphanet 140162, MedGen C0027672, MeSH D009386, MONDO:0015356.

Submissions (4):

Labcorp Genetics (formerly Invitae), Labcorp
Classification: Likely benign for Ataxia-telangiectasia syndrome. Last evaluated: 2025-11-19. Review status: criteria provided, single submitter. Criteria: Invitae Variant Classification Sherloc (09022015). Collection method: clinical testing. Allele origin: germline.

Myriad Genetics, Inc.
Classification: Benign for Familial cancer of breast. Last evaluated: 2024-04-29. Review status: criteria provided, single submitter. Criteria: Myriad Autosomal Dominant, Autosomal Recessive and X-Linked Classification Criteria (2023). Collection method: clinical testing. Allele origin: unknown.
Comment: This variant is considered benign. This variant is a silent/synonymous amino acid change and it is not expected to impact splicing.

Ambry Genetics
Classification: Likely benign for Hereditary cancer-predisposing syndrome. Last evaluated: 2021-06-28. Review status: criteria provided, single submitter. Criteria: Ambry Variant Classification Scheme 2023. Collection method: clinical testing. Allele origin: germline.

Sema4
Classification: Uncertain significance for Hereditary cancer-predisposing syndrome. Last evaluated: 2021-04-21. Review status: criteria provided, single submitter. Criteria: Sema4 Curation Guidelines. Collection method: curation. Allele origin: germline.
Comment: The ATM c.1434A>G (p.S478=) variant has not been reported in the literature to our knowledge. It was not observed in the large and broad cohorts of the Genome Aggregation Database (PMID: 32461654). The variant has not been reported in ClinVar. In silico tools suggest the impact of the variant on splicing and protein function is benign, though these predictions have not been confirmed by functional studies. The evidence is insufficient to meet ACMG/AMP criteria for classifying the variant as benign or pathogenic. Thus, the clinical significance of this variant is currently uncertain.